The following is an entry in ClinVar:

ClinVar aggregate classification (germline): Likely benign (1 of 4 stars; one submission).

Conditions:
Arrhythmogenic right ventricular dysplasia 10. Also called: Arrhythmogenic Right Ventricular Dysplasia/Cardiomyopathy10; ARRHYTHMOGENIC RIGHT VENTRICULAR DYSPLASIA, FAMILIAL, 10; Arrhythmogenic right ventricular dysplasia/cardiomyopathy, type 10. Identifiers: MedGen C1857777, MONDO:0012434, OMIM 610193.

Allele frequency attached by ClinVar (database versions not stated): gnomAD 0.00578 and 0.00624; TOPMed 0.00594; 1000 Genomes Project 0.00679; 1000 Genomes Project 30x 0.00750.

Submission:

Illumina Laboratory Services, Illumina
Classification: Likely benign for Arrhythmogenic right ventricular dysplasia 10. Last evaluated: 2018-01-13. Review status: criteria provided, single submitter. Criteria: ICSL Variant Classification Criteria 13 December 2019. Collection method: clinical testing. Allele origin: germline.
Comment: This variant was observed in the ICSL laboratory as part of a predisposition screen in an ostensibly healthy population. It had not been previously curated by ICSL or reported in the Human Gene Mutation Database (HGMD: prior to June 1st, 2018), and was therefore a candidate for classification through an automated scoring system. Utilizing variant allele frequency, disease prevalence and penetrance estimates, and inheritance mode, an automated score was calculated to assess if this variant is too frequent to cause the disease. Based on the score and internal cut-off values, a variant classified as likely benign is not then subjected to further curation. The score for this variant resulted in a classification of likely benign for this disease.

NM_001943.5(DSG2):c.*1385C>T

Genes: DSG2 (desmoglein 2; plus strand), DSG2-AS1 (DSG2 antisense RNA 1; minus strand). Cytogenetic location: 18q12.1.
Variant type: single nucleotide variant.
Coding change: c.*1385C>T on transcript NM_001943.5 (MANE Select); 1385 bases downstream of the stop codon, C replaced by T.
Molecular consequence: 3 prime UTR variant.
Genome position (GRCh38, 1-based): chr18:31,548,128, C>T. VCF-style: chr18-31548128-C-T. GRCh37 (hg19) VCF-style: chr18-29128091-C-T.
Identifiers: ClinVar variation 888594 (VCV000888594.4), dbSNP rs116439025, ClinGen allele CA297703533.